The following is an entry in ClinVar:

NM_004370.6(COL12A1):c.3774C>G (p.Asp1258Glu)

Gene: COL12A1 (collagen type XII alpha 1 chain; minus strand). Cytogenetic location: 6q13.
Variant type: single nucleotide variant.
Coding change: c.3774C>G on transcript NM_004370.6 (MANE Select); coding-DNA position 3774, C replaced by G.
Protein change: p.Asp1258Glu; replaces aspartic acid 1258 with glutamic acid.
Molecular consequence: missense variant.
Genome position (GRCh38, 1-based): chr6:75,152,192, G>C on the plus strand (C>G on the coding strand, the complement: COL12A1 is on the minus strand). VCF-style: chr6-75152192-G-C. GRCh37 (hg19) VCF-style: chr6-75861908-G-C.
Other names: c.282C>G, p.Asp94Glu (NM_080645.3); short protein forms D1258E, D94E.
Identifiers: ClinVar variation 1194241 (VCV001194241.10), dbSNP rs375043994, ClinGen allele CA3893624.

ClinVar aggregate classification (germline): Uncertain significance. Review status: criteria provided, multiple submitters, no conflicts (2 of 4 stars). 3 submissions from 3 submitters: Uncertain significance (3). Last evaluated 2023-10-23.

Conditions:
Ullrich congenital muscular dystrophy 2 (UCMD2). Identifiers: Orphanet 75840, MedGen C4225314, MONDO:0014654, OMIM 616470.
Bethlem myopathy 2 (BTHLM2). Identifiers: Orphanet 536516, Orphanet 610, MedGen C4225313, MONDO:0034022, OMIM 616471.
Inborn genetic diseases. Identifiers: MedGen C0950123, MeSH D030342.

Allele frequency attached by ClinVar (database versions not stated): ExAC 0.00001.
gnomAD v4.1: 15 of 1,613,608 alleles (0.00093%); highest among the groups gnomAD compares: Non-Finnish European, 0.0012%; no homozygotes.

Submissions (3):

Labcorp Genetics (formerly Invitae), Labcorp
Classification: Uncertain significance for Bethlem myopathy 2; Ullrich congenital muscular dystrophy 2. Last evaluated: 2023-10-23. Review status: criteria provided, single submitter. Criteria: Invitae Variant Classification Sherloc (09022015). Collection method: clinical testing. Allele origin: germline.
Comment: This sequence change replaces aspartic acid, which is acidic and polar, with glutamic acid, which is acidic and polar, at codon 1258 of the COL12A1 protein (p.Asp1258Glu). This variant is present in population databases (rs375043994, gnomAD 0.002%). This variant has not been reported in the literature in individuals affected with COL12A1-related conditions. ClinVar contains an entry for this variant (Variation ID: 1194241). Advanced modeling of protein sequence and biophysical properties (such as structural, functional, and spatial information, amino acid conservation, physicochemical variation, residue mobility, and thermodynamic stability) performed at Invitae indicates that this missense variant is not expected to disrupt COL12A1 protein function with a negative predictive value of 80%. In summary, the available evidence is currently insufficient to determine the role of this variant in disease. Therefore, it has been classified as a Variant of Uncertain Significance.

Ambry Genetics
Classification: Uncertain significance for Inborn genetic diseases. Last evaluated: 2023-04-05. Review status: criteria provided, single submitter. Criteria: Ambry Variant Classification Scheme 2023. Collection method: clinical testing. Allele origin: germline.

GeneDx
Classification: Uncertain significance. Last evaluated: 2020-10-21. Review status: criteria provided, single submitter. Criteria: GeneDx Variant Classification Process June 2021. Collection method: clinical testing. Allele origin: germline. Affected: yes.
Comment: Has not been previously published as pathogenic or benign to our knowledge; Not observed at a significant frequency in large population cohorts (Lek et al., 2016); In silico analysis supports that this missense variant does not alter protein structure/function